The following is an entry in ClinVar:

NM_014030.4(GIT1):c.249C>T (p.Pro83=)

Gene: GIT1 (GIT ArfGAP 1; minus strand). Cytogenetic location: 17q11.2.
Variant type: single nucleotide variant.
Coding change: c.249C>T on transcript NM_014030.4 (MANE Select); coding-DNA position 249, C replaced by T.
Protein change: p.Pro83=; no amino-acid change (proline 83 retained).
Molecular consequence: synonymous variant.
Genome position (GRCh38, 1-based): chr17:29,582,975, G>A on the plus strand (C>T on the coding strand, the complement: GIT1 is on the minus strand). VCF-style: chr17-29582975-G-A. GRCh37 (hg19) VCF-style: chr17-27909993-G-A.
Other names: c.249C>T, p.Pro83= (NM_001085454.2).
Identifiers: ClinVar variation 778685 (VCV000778685.7), dbSNP rs78783041, ClinGen allele CA8476459.

ClinVar aggregate classification (germline): Benign. Review status: criteria provided, multiple submitters, no conflicts (2 of 4 stars). 3 submissions from 3 submitters: Benign (2). 1 of the submissions does not count toward it. Last evaluated 2019-12-31.

Conditions:
GIT1-related disorder. Also called: GIT1-related condition.

Allele frequency attached by ClinVar (database versions not stated): gnomAD exomes 0.00154; gnomAD 0.01560 and 0.01684; 1000 Genomes Project 0.01637; 1000 Genomes Project 30x 0.01749; TOPMed 0.01776; ESP Exome Variant Server 0.01891.
gnomAD v4.1: 4,697 of 1,612,276 alleles (0.29%); highest among the groups gnomAD compares: African/African-American, 5.5%; 127 homozygotes.

Submissions (3):

Labcorp Genetics (formerly Invitae), Labcorp
Classification: Benign. Last evaluated: 2019-12-31. Review status: criteria provided, single submitter. Criteria: Invitae Variant Classification Sherloc (09022015). Collection method: clinical testing. Allele origin: germline.

Breakthrough Genomics
Classification: Benign. Review status: criteria provided, single submitter. Criteria: ACMG Guidelines, 2015. Collection method: not provided. Allele origin: germline. Inheritance: Unknown mechanism. Affected: yes.

PreventionGenetics, part of Exact Sciences
Classification: Benign for GIT1-related condition. Last evaluated: 2019-05-20. Review status: no assertion criteria provided. Collection method: clinical testing. Allele origin: germline. Not counted in ClinVar's aggregate classification.
Comment: This variant is classified as benign based on ACMG/AMP sequence variant interpretation guidelines (Richards et al. 2015 PMID: 25741868, with internal and published modifications).